The following is an entry in ClinVar:

ClinVar aggregate classification (germline): Uncertain significance. Review status: criteria provided, multiple submitters, no conflicts (2 of 4 stars). 4 submissions from 4 submitters: Uncertain significance (3). 1 of the submissions does not count toward it. Last evaluated 2025-10-13.

Conditions:
Becker muscular dystrophy (BMD). Also called: MUSCULAR DYSTROPHY, PSEUDOHYPERTROPHIC PROGRESSIVE, BECKER TYPE; Becker Muscular Dystrophy (BMD). Identifiers: Orphanet 98895, MedGen C0917713, MONDO:0010311, OMIM 300376.
Cardiomyopathy (CMYO). Also called: Cardiomyopathies. Identifiers: Orphanet 167848, MedGen C0878544, MONDO:0004994, HP:0001638. Inheritance: Various modes of inheritance.
Duchenne muscular dystrophy (DMD). Also called: MUSCULAR DYSTROPHY, PSEUDOHYPERTROPHIC PROGRESSIVE, DUCHENNE TYPE; Duchenne Muscular Dystrophy (DMD). Identifiers: Orphanet 98896, MedGen C0013264, MONDO:0010679, OMIM 310200.
Dystrophin deficiency.

Submissions (4):

Labcorp Genetics (formerly Invitae), Labcorp
Classification: Uncertain significance for Duchenne muscular dystrophy. Last evaluated: 2025-10-13. Review status: criteria provided, single submitter. Criteria: Invitae Variant Classification Sherloc (09022015). Collection method: clinical testing. Allele origin: germline.
Comment: This variant, c.5068_5070del, results in the deletion of 1 amino acid(s) of the DMD protein (p.His1690del), but otherwise preserves the integrity of the reading frame. This variant is present in population databases (rs761764494, gnomAD 0.002%). This variant has been observed in individual(s) with DMD-related conditions (PMID: 27178005). ClinVar contains an entry for this variant (Variation ID: 455904). Experimental studies and prediction algorithms are not available or were not evaluated, and the functional significance of this variant is currently unknown. In summary, the available evidence is currently insufficient to determine the role of this variant in disease. Therefore, it has been classified as a Variant of Uncertain Significance.

Laboratory of Medical Genetics, National & Kapodistrian University of Athens
Classification: Uncertain significance for Becker muscular dystrophy. Last evaluated: 2022-12-16. Review status: criteria provided, single submitter. Criteria: ACMG Guidelines, 2015. Collection method: clinical testing. Allele origin: germline. Affected: yes.
Comment: PM2, PM4

Women's Health and Genetics/Laboratory Corporation of America, LabCorp
Classification: Uncertain significance. Last evaluated: 2021-11-18. Review status: criteria provided, single submitter. Criteria: LabCorp Variant Classification Summary - May 2015. Collection method: clinical testing. Allele origin: germline.
Comment: Variant summary: DMD c.5068_5070delCAC (p.His1690del) results in an in-frame deletion that is predicted to remove one amino acid from the encoded protein. The variant allele was found at a frequency of 5.5e-06 in 182950 control chromosomes. The available data on variant occurrences in the general population are insufficient to allow any conclusion about variant significance. c.5068_5070delCAC has been reported in the literature in a case series of individuals affected with mild features of Dystrophinopathies (Pons_2017). These data do not allow any conclusion about variant significance. To our knowledge, no experimental evidence demonstrating an impact on protein function has been reported. One clinical diagnostic laboratory has submitted clinical-significance assessments for this variant to ClinVar after 2014 and classified the variant as uncertain significance citing overlapping evidence utilized in the context of this evaluation. Based on the evidence outlined above, the variant was classified as uncertain significance.

Natera, Inc.
Classification: Uncertain significance for Becker muscular dystrophy; Cardiomyopathy; Duchenne muscular dystrophy; Dystrophin deficiency. Last evaluated: 2018-12-31. Review status: no assertion criteria provided. Collection method: clinical testing. Allele origin: germline. Not counted in ClinVar's aggregate classification.

Literature cited by the submitters: PubMed 27178005 (cited by Labcorp Genetics (formerly Invitae), Labcorp and Women's Health and Genetics/Laboratory Corporation of America, LabCorp).

NM_004006.3(DMD):c.5068_5070del (p.His1690del)

Gene: DMD (dystrophin; minus strand). Cytogenetic location: Xp21.1.
Variant type: Deletion.
Coding change: c.5068_5070del on transcript NM_004006.3 (MANE Select); coding-DNA positions 5068 to 5070, 3 bases deleted (CAC; older notation c.5068_5070delCAC).
Protein change: p.His1690del; deletes histidine 1690.
Molecular consequence: inframe deletion.
Genome position (GRCh38, 1-based): chrX:32,364,666-32,364,668, GTG deleted on the plus strand (CAC on the coding strand, the reverse complement: DMD is on the minus strand); deleting any 3 consecutive bases within chrX:32,364,666-32,364,670 gives the same sequence; the c. name uses the placement nearest the transcript's 3' end. VCF-style (leftmost placement, unchanged base first): chrX-32364665-TGTG-T. GRCh37 (hg19) VCF-style: chrX-32382782-TGTG-T.
Other names: c.5044_5046del, p.His1682del (NM_000109.4); c.5056_5058del, p.His1686del (NM_004009.3); c.4699_4701del, p.His1567del (NM_004010.3); c.1045_1047del, p.His349del (NM_004011.4); c.1036_1038del, p.His346del (NM_004012.4); c.5068_5070delCAC (NM_004006.2); short protein forms H1690del, H1567del, H1682del, H349del, H1686del, H346del.
Identifiers: ClinVar variation 455904 (VCV000455904.11), dbSNP rs761764494, ClinGen allele CA10378780.